The following is an entry in ClinVar:

NM_014874.4(MFN2):c.932A>G (p.Asn311Ser)

Gene: MFN2 (mitofusin 2; plus strand). Cytogenetic location: 1p36.22.
Variant type: single nucleotide variant.
Coding change: c.932A>G on transcript NM_014874.4 (MANE Select); coding-DNA position 932, A replaced by G.
Protein change: p.Asn311Ser; replaces asparagine 311 with serine.
Molecular consequence: missense variant.
Genome position (GRCh38, 1-based): chr1:12,001,516, A>G. VCF-style: chr1-12001516-A-G. GRCh37 (hg19) VCF-style: chr1-12061573-A-G.
Other names: c.932A>G, p.Asn311Ser (NM_001127660.2); short protein forms N311S.
Identifiers: ClinVar variation 1463011 (VCV001463011.8), dbSNP rs748838916, ClinGen allele CA598962.
Genomic context (GRCh38, chr1:12,001,516, plus strand): 5'-TGGTGGATCGATCCCAGGCCGGGGACCGCATCTTCTTTGTGTCTGCTAAGGAGGTGCTCA[A>G]CGCCAGGATTCAGAAAGCCCAGGGCATGCCTGAAGGAGGTAATGATGAGAACAGATGTCC-3'
Protein context (NP_055689.1, residues 301-321): IFFVSAKEVL[Asn311Ser]ARIQKAQGMP

ClinVar aggregate classification (germline): Uncertain significance (1 of 4 stars; one submission).

Conditions:
Charcot-Marie-Tooth disease type 2. Also called: Charcot-Marie-Tooth type 2. Identifiers: Orphanet 64746, MedGen C0270914, MONDO:0018993.

Allele frequency attached by ClinVar (database versions not stated): TOPMed 0.00001; gnomAD exomes 0.00001; gnomAD 0.00001; ExAC 0.00002.
gnomAD v4.1: 5 of 1,614,088 alleles (0.00031%); highest among the groups gnomAD compares: Middle Eastern, 0.016%; no homozygotes.

Submission:

Labcorp Genetics (formerly Invitae), Labcorp
Classification: Uncertain significance for Charcot-Marie-Tooth disease type 2. Last evaluated: 2025-04-24. Review status: criteria provided, single submitter. Criteria: Invitae Variant Classification Sherloc (09022015). Collection method: clinical testing. Allele origin: germline.
Comment: This sequence change replaces asparagine, which is neutral and polar, with serine, which is neutral and polar, at codon 311 of the MFN2 protein (p.Asn311Ser). This variant is present in population databases (rs748838916, gnomAD 0.002%). This variant has not been reported in the literature in individuals affected with MFN2-related conditions. ClinVar contains an entry for this variant (Variation ID: 1463011). Invitae Evidence Modeling of protein sequence and biophysical properties (such as structural, functional, and spatial information, amino acid conservation, physicochemical variation, residue mobility, and thermodynamic stability) indicates that this missense variant is not expected to disrupt MFN2 protein function with a negative predictive value of 80%. In summary, the available evidence is currently insufficient to determine the role of this variant in disease. Therefore, it has been classified as a Variant of Uncertain Significance.